The following is an entry in ClinVar:

ClinVar aggregate classification (germline): Uncertain significance (1 of 4 stars; one submission).

Conditions:
Microcephaly-intellectual disability-sensorineural hearing loss-epilepsy-abnormal muscle tone syndrome (NEDHSB). Also called: NEURODEVELOPMENTAL DISORDER WITH HEARING LOSS, SEIZURES, AND BRAIN ABNORMALITIES. Identifiers: Orphanet 457351, MedGen C4225276, MONDO:0014698, OMIM 616577.

Allele frequency attached by ClinVar (database versions not stated): gnomAD exomes below 0.00001.
gnomAD v4.1: 5 of 1,597,912 alleles (0.00031%); highest among the groups gnomAD compares: East Asian, 0.0068%; no homozygotes.

Submission:

Labcorp Genetics (formerly Invitae), Labcorp
Classification: Uncertain significance for Microcephaly-intellectual disability-sensorineural hearing loss-epilepsy-abnormal muscle tone syndrome. Last evaluated: 2018-05-03. Review status: criteria provided, single submitter. Criteria: Invitae Variant Classification Sherloc (09022015). Collection method: clinical testing. Allele origin: germline.
Comment: This variant has not been reported in the literature in individuals with SPATA5-related disease. This sequence change replaces isoleucine with threonine at codon 484 of the SPATA5 protein (p.Ile484Thr). The isoleucine residue is highly conserved and there is a moderate physicochemical difference between isoleucine and threonine. This variant is not present in population databases (ExAC no frequency). Algorithms developed to predict the effect of missense changes on protein structure and function (SIFT, PolyPhen-2, Align-GVGD) all suggest that this variant is likely to be disruptive, but these predictions have not been confirmed by published functional studies and their clinical significance is uncertain. In summary, the available evidence is currently insufficient to determine the role of this variant in disease. Therefore, it has been classified as a Variant of Uncertain Significance.

NM_145207.3(AFG2A):c.1451T>C (p.Ile484Thr)

Gene: AFG2A (AAA ATPase AFG2A; plus strand). Cytogenetic location: 4q28.1.
Variant type: single nucleotide variant.
Coding change: c.1451T>C on transcript NM_145207.3 (MANE Select); coding-DNA position 1451, T replaced by C.
Protein change: p.Ile484Thr; replaces isoleucine 484 with threonine.
Molecular consequence: missense variant.
Genome position (GRCh38, 1-based): chr4:122,938,242, T>C. VCF-style: chr4-122938242-T-C. GRCh37 (hg19) VCF-style: chr4-123859397-T-C.
Other names: c.1448T>C, p.Ile483Thr (NM_001317799.2, NM_001345856.2); short protein forms I483T, I484T.
Identifiers: ClinVar variation 1058309 (VCV001058309.4), dbSNP rs1729207632, ClinGen allele CA358106438.